The following is an entry in ClinVar:

NM_017739.4(POMGNT1):c.544T>C (p.Ser182Pro)

Genes: POMGNT1 (protein O-linked mannose N-acetylglucosaminyltransferase 1 (beta 1,2-); minus strand), TSPAN1 (tetraspanin 1; plus strand). Cytogenetic location: 1p34.1.
Variant type: single nucleotide variant.
Coding change: c.544T>C on transcript NM_017739.4 (MANE Select); coding-DNA position 544, T replaced by C.
Protein change: p.Ser182Pro; replaces serine 182 with proline.
Molecular consequence: missense variant.
Genome position (GRCh38, 1-based): chr1:46,194,952, A>G on the plus strand (T>C on the coding strand, the complement: POMGNT1 is on the minus strand). VCF-style: chr1-46194952-A-G. GRCh37 (hg19) VCF-style: chr1-46660624-A-G.
Other names: c.544T>C, p.Ser182Pro (NM_001243766.2, NM_001410783.1); c.478T>C, p.Ser160Pro (NM_001290129.3); c.115T>C, p.Ser39Pro (NM_001290130.2); short protein forms S160P, S182P, S39P.
Identifiers: ClinVar variation 1525758 (VCV001525758.6), dbSNP rs2148205834, ClinGen allele CA340187460.

ClinVar aggregate classification (germline): Uncertain significance (1 of 4 stars; one submission).

Conditions:
Autosomal recessive limb-girdle muscular dystrophy type 2O. Also called: Limb-Girdle Muscular Dystrophy Type 3C; MUSCULAR DYSTROPHY-DYSTROGLYCANOPATHY (LIMB-GIRDLE), TYPE C, 3; MUSCULAR DYSTROPHY-DYSTROGLYCANOPATHY, LIMB-GIRDLE, POMGNT1-RELATED. Identifiers: Orphanet 206564, MedGen C3150417, MONDO:0013161, OMIM 613157.
Muscular dystrophy-dystroglycanopathy (congenital with impaired intellectual development), type B, 3. Also called: Muscular dystrophy-dystroglycanopathy (congenital with intellectual disability), type B3; MUSCULAR DYSTROPHY, CONGENITAL, POMGNT1-RELATED. Identifiers: MedGen C3150412, MONDO:0013155, OMIM 613151.

Submission:

Labcorp Genetics (formerly Invitae), Labcorp
Classification: Uncertain significance for Autosomal recessive limb-girdle muscular dystrophy type 2O; Muscular dystrophy-dystroglycanopathy (congenital with impaired intellectual development), type B, 3. Last evaluated: 2022-11-01. Review status: criteria provided, single submitter. Criteria: Invitae Variant Classification Sherloc (09022015). Collection method: clinical testing. Allele origin: germline.
Comment: This sequence change replaces serine, which is neutral and polar, with proline, which is neutral and non-polar, at codon 182 of the POMGNT1 protein (p.Ser182Pro). This variant is not present in population databases (gnomAD no frequency). This variant has not been reported in the literature in individuals affected with POMGNT1-related conditions. ClinVar contains an entry for this variant (Variation ID: 1525758). Advanced modeling of protein sequence and biophysical properties (such as structural, functional, and spatial information, amino acid conservation, physicochemical variation, residue mobility, and thermodynamic stability) has been performed at Invitae for this missense variant, however the output from this modeling did not meet the statistical confidence thresholds required to predict the impact of this variant on POMGNT1 protein function. In summary, the available evidence is currently insufficient to determine the role of this variant in disease. Therefore, it has been classified as a Variant of Uncertain Significance.